The following is an entry in ClinVar:

NM_000310.4(PPT1):c.235-1G>C

Gene: PPT1 (palmitoyl-protein thioesterase 1; minus strand). Cytogenetic location: 1p34.2.
Variant type: single nucleotide variant.
Coding change: c.235-1G>C on transcript NM_000310.4 (MANE Select); the canonical splice acceptor site of the intron before coding-DNA position 235, G replaced by C.
Molecular consequence: splice acceptor variant. On other transcripts: intron variant (1).
Genome position (GRCh38, 1-based): chr1:40,092,173, C>G on the plus strand (G>C on the coding strand, the complement: PPT1 is on the minus strand). VCF-style: chr1-40092173-C-G. GRCh37 (hg19) VCF-style: chr1-40557845-C-G.
Other names: c.125-2661G>C (NM_001142604.2); c.235-1G>C (NM_001363695.2).
Identifiers: ClinVar variation 1467103 (VCV001467103.8), dbSNP rs2124487981, ClinGen allele CA339849429.

ClinVar aggregate classification (germline): Likely pathogenic (1 of 4 stars; one submission).

Conditions:
Neuronal ceroid lipofuscinosis 1 (CLN1). Also called: PPT1-Related Neuronal Ceroid-Lipofuscinosis; CEROID LIPOFUSCINOSIS, NEURONAL, 1, VARIABLE AGE AT ONSET. Identifiers: Orphanet 228329, MedGen C1850451, MONDO:0009744, OMIM 256730.

Submission:

Labcorp Genetics (formerly Invitae), Labcorp
Classification: Likely pathogenic for Neuronal ceroid lipofuscinosis 1. Last evaluated: 2021-01-14. Review status: criteria provided, single submitter. Criteria: Invitae Variant Classification Sherloc (09022015). Collection method: clinical testing. Allele origin: germline.
Comment: In summary, the currently available evidence indicates that the variant is pathogenic, but additional data are needed to prove that conclusively. Therefore, this variant has been classified as Likely Pathogenic. Algorithms developed to predict the effect of sequence changes on RNA splicing suggest that this variant may disrupt the consensus splice site, but this prediction has not been confirmed by published transcriptional studies. This variant has not been reported in the literature in individuals with PPT1-related conditions. This variant is not present in population databases (ExAC no frequency). This sequence change affects an acceptor splice site in intron 2 of the PPT1 gene. It is expected to disrupt RNA splicing. Variants that disrupt the donor or acceptor splice site typically lead to a loss of protein function (PMID: 16199547), and loss-of-function variants in PPT1 are known to be pathogenic (PMID: 10679943, 21990111).

Literature cited by the submitters: PubMed 16199547; PubMed 10679943; PubMed 21990111.